The following is an entry in ClinVar:

ClinVar aggregate classification (germline): Uncertain significance. Review status: criteria provided, multiple submitters, no conflicts (2 of 4 stars). 2 submissions from 2 submitters: Uncertain significance (2). Last evaluated 2025-10-23.

Conditions:
Hereditary cancer-predisposing syndrome. Also called: Neoplastic Syndromes, Hereditary; Tumor predisposition; Hereditary neoplastic syndrome; Hereditary Cancer Syndrome. Identifiers: Orphanet 140162, MedGen C0027672, MeSH D009386, MONDO:0015356.

Submissions (2):

Labcorp Genetics (formerly Invitae), Labcorp
Classification: Uncertain significance. Last evaluated: 2025-10-23. Review status: criteria provided, single submitter. Criteria: Invitae Variant Classification Sherloc (09022015). Collection method: clinical testing. Allele origin: germline.
Comment: This sequence change replaces lysine, which is basic and polar, with threonine, which is neutral and polar, at codon 105 of the NTHL1 protein (p.Lys105Thr). This variant is not present in population databases (gnomAD no frequency). This variant has not been reported in the literature in individuals affected with NTHL1-related conditions. ClinVar contains an entry for this variant (Variation ID: 1352244). An algorithm developed to predict the effect of missense changes on protein structure and function (PolyPhen-2) suggests that this variant is likely to be tolerated. In summary, the available evidence is currently insufficient to determine the role of this variant in disease. Therefore, it has been classified as a Variant of Uncertain Significance.

Ambry Genetics
Classification: Uncertain significance for Hereditary cancer-predisposing syndrome. Last evaluated: 2025-10-01. Review status: criteria provided, single submitter. Criteria: Ambry Variant Classification Scheme 2023. Collection method: clinical testing. Allele origin: germline.
Comment: The p.K105T variant (also known as c.314A>C), located in coding exon 2 of the NTHL1 gene, results from an A to C substitution at nucleotide position 314. The lysine at codon 105 is replaced by threonine, an amino acid with similar properties. This amino acid position is poorly conserved in available vertebrate species. In addition, this alteration is predicted to be tolerated by in silico analysis. Based on the available evidence, the clinical significance of this variant remains unclear.

NM_002528.7(NTHL1):c.290A>C (p.Lys97Thr)

Gene: NTHL1 (nth like DNA glycosylase 1; minus strand). Cytogenetic location: 16p13.3.
Variant type: single nucleotide variant.
Coding change: c.290A>C on transcript NM_002528.7 (MANE Select); coding-DNA position 290, A replaced by C.
Protein change: p.Lys97Thr; replaces lysine 97 with threonine.
Molecular consequence: missense variant. On other transcripts: intron variant (1).
Genome position (GRCh38, 1-based): chr16:2,046,192, T>G on the plus strand (A>C on the coding strand, the complement: NTHL1 is on the minus strand). VCF-style: chr16-2046192-T-G. GRCh37 (hg19) VCF-style: chr16-2096193-T-G.
Other names: c.290A>C, p.Lys97Thr (NM_001318193.2); c.24+88A>C (NM_001318194.2); short protein forms K97T.
Identifiers: ClinVar variation 1352244 (VCV001352244.11), dbSNP rs1341113327, ClinGen allele CA394295609.